The following is an entry in ClinVar:

ClinVar aggregate classification (germline): Pathogenic (1 of 4 stars; one submission).

Conditions:
Myofibrillar myopathy 4. Also called: Zaspopathy (type). Identifiers: Orphanet 98912, MedGen C4721886, MONDO:0012277, OMIM 609452.

Submission:

Labcorp Genetics (formerly Invitae), Labcorp
Classification: Pathogenic for Myofibrillar myopathy 4. Last evaluated: 2024-04-17. Review status: criteria provided, single submitter. Criteria: Invitae Variant Classification Sherloc (09022015). Collection method: clinical testing. Allele origin: germline.
Comment: The LDB3 gene has multiple clinically relevant transcripts. This variant occurs in alternate transcript NM_007078.3, and corresponds to NM_001080116.1: c.242del in the primary transcript. This sequence change creates a premature translational stop signal (p.Gln81Argfs*22) in the LDB3 gene. It is expected to result in an absent or disrupted protein product in both transcripts. However, loss-of-function variants in LDB3 are only known to be pathogenic in the alternate transcript (PMID: 36253531). This variant is not present in population databases (gnomAD no frequency). This variant has not been reported in the literature in individuals affected with LDB3-related conditions. ClinVar contains an entry for this variant (Variation ID: 532929). For these reasons, this variant has been classified as Pathogenic.

Literature cited by the submitters: PubMed 36253531.

NM_007078.3(LDB3):c.242del (p.Gln81fs)

Gene: LDB3 (LIM domain binding 3; plus strand). Cytogenetic location: 10q23.2.
Variant type: Deletion.
Coding change: c.242del on transcript NM_007078.3 (MANE Select); coding-DNA position 242, one base deleted (A; older notation c.242delA).
Protein change: p.Gln81fs; shifts the reading frame from glutamine 81.
Molecular consequence: frameshift variant.
Genome position (GRCh38, 1-based): chr10:86,679,515, A deleted. VCF-style (leftmost placement, unchanged base first): chr10-86679514-CA-C. GRCh37 (hg19) VCF-style: chr10-88439271-CA-C.
Other names: c.242delA (NM_001080116.1); c.242del, p.Gln81fs (NM_001080114.2, NM_001080115.2, NM_001080116.1 and 8 more transcripts); short protein forms Q81fs.
Identifiers: ClinVar variation 532929 (VCV000532929.9), dbSNP rs1554849133, ClinGen allele CA658797460.